The following is an entry in ClinVar:

NM_000321.3(RB1):c.2325+5G>A

Gene: RB1 (RB transcriptional corepressor 1; plus strand). Cytogenetic location: 13q14.2.
Variant type: single nucleotide variant.
Coding change: c.2325+5G>A on transcript NM_000321.3 (MANE Select); 5 bases into the intron after coding-DNA position 2325, G replaced by A.
Molecular consequence: intron variant.
Genome position (GRCh38, 1-based): chr13:48,465,116, G>A. VCF-style: chr13-48465116-G-A. GRCh37 (hg19) VCF-style: chr13-49039252-G-A.
Identifiers: ClinVar variation 281863 (VCV000281863.11), dbSNP rs886042249, ClinGen allele CA10603986.

ClinVar aggregate classification (germline): Conflicting classifications of pathogenicity. Review status: criteria provided, conflicting classifications (1 of 4 stars). 4 submissions from 4 submitters: Pathogenic (1); Likely pathogenic (1); Uncertain significance (2). Last evaluated 2026-02-11.

Conditions:
Hereditary cancer-predisposing syndrome. Also called: Hereditary Cancer Syndrome; Tumor predisposition; Neoplastic Syndromes, Hereditary; Hereditary neoplastic syndrome. Identifiers: Orphanet 140162, MedGen C0027672, MeSH D009386, MONDO:0015356.
Retinoblastoma (RB1). Also called: RETINOBLASTOMA, SOMATIC. Identifiers: Orphanet 790, MedGen C0035335, MeSH D012175, MONDO:0008380, OMIM 180200, HP:0009919. Disease mechanism: loss of function. Inheritance: Both sporadic and heritable forms are tested..

Submissions (4):

St. Jude Molecular Pathology, St. Jude Children's Research Hospital
Classification: Likely pathogenic for Retinoblastoma. Last evaluated: 2026-02-11. Review status: criteria provided, single submitter. Criteria: St. Jude Assertion Criteria 2020. Collection method: clinical testing. Allele origin: germline.
Comment: The RB1 c.2325+5G>A intronic change results in a G to A substitution at the +5 position of intron 22 of the RB1 gene. This variant is predicted to result in aberrant splicing, resulting in an abnormal protein product. This variant has been reported in individuals with retinoblastoma (PMID: 16269091, 24225018, internal data). It is also absent in gnomAD v2.1.1. In summary, this variant meets criteria to be classified as likely pathogenic.

Genetic Diagnostic Laboratory, University of Pennsylvania School of Medicine
Classification: Uncertain significance for Retinoblastoma. Last evaluated: 2024-05-20. Review status: criteria provided, single submitter. Criteria: ACMG Guidelines, 2015. Collection method: clinical testing. Allele origin: germline. Affected: yes. Observed: 1 variant allele.
Comment: Case and Pedigree Information: BILATERAL CASES:0, UNILATERAL CASES:1, TOTAL CASES:1, PEDIGREES:1. ACMG Codes Applied:PM2, PP3

Ambry Genetics
Classification: Pathogenic for Hereditary cancer-predisposing syndrome. Last evaluated: 2018-01-25. Review status: criteria provided, single submitter. Criteria: Ambry Variant Classification Scheme 2023. Collection method: clinical testing. Allele origin: germline.
Comment: The c.2325+5G>A intronic pathogenic mutation results from a G to A substitution 5 nucleotides after coding exon 22 in the RB1 gene. This mutation has been reported in two unrelated individuals diagnosed with retinoblastoma and it was suggested that this alteration could possibly be a low penetrance allele (Price EA et al. J Med Genet. 2014 Mar;51(3):208-14; Valverde JR et al. BMC Genet. 2005 Nov 4;6:53). In addition, a similar alteration, c.2325+5G>C (referred to as IVS22+5G>C), has been reported in a proband with unilateral retinoblastoma, a sibling with bilateral retinoblastoma, and their unaffected mother. The authors concluded this was due to variable expressivity and incomplete penetrance (Parsam VL et al. J Genet. 2009 Dec;88(4):517-27). Based on the available evidence, c.2325+5G>A is classified as a pathogenic mutation.

Eurofins Ntd Llc (ga)
Classification: Uncertain significance. Last evaluated: 2015-07-15. Review status: criteria provided, single submitter. Criteria: EGL Classification Definitions 2015. Collection method: clinical testing. Allele origin: germline. Observed: 2 variant alleles, 2 heterozygotes.